The following is an entry in ClinVar:

ClinVar aggregate classification (germline): Uncertain significance (1 of 4 stars; one submission).

Submission:

Labcorp Genetics (formerly Invitae), Labcorp
Classification: Uncertain significance. Last evaluated: 2022-10-28. Review status: criteria provided, single submitter. Criteria: Invitae Variant Classification Sherloc (09022015). Collection method: clinical testing. Allele origin: germline.
Comment: In summary, the available evidence is currently insufficient to determine the role of this variant in disease. Therefore, it has been classified as a Variant of Uncertain Significance. Advanced modeling of protein sequence and biophysical properties (such as structural, functional, and spatial information, amino acid conservation, physicochemical variation, residue mobility, and thermodynamic stability) performed at Invitae indicates that this missense variant is not expected to disrupt COL11A1 protein function. ClinVar contains an entry for this variant (Variation ID: 1406369). This variant has not been reported in the literature in individuals affected with COL11A1-related conditions. This variant is not present in population databases (gnomAD no frequency). This sequence change replaces proline, which is neutral and non-polar, with alanine, which is neutral and non-polar, at codon 720 of the COL11A1 protein (p.Pro720Ala).

NM_001854.4(COL11A1):c.2158C>G (p.Pro720Ala)

Gene: COL11A1 (collagen type XI alpha 1 chain; minus strand). Cytogenetic location: 1p21.1.
Variant type: single nucleotide variant.
Coding change: c.2158C>G on transcript NM_001854.4 (MANE Select); coding-DNA position 2158, C replaced by G.
Protein change: p.Pro720Ala; replaces proline 720 with alanine.
Molecular consequence: missense variant. On other transcripts: non-coding transcript variant (1).
Genome position (GRCh38, 1-based): chr1:102,998,348, G>C on the plus strand (C>G on the coding strand, the complement: COL11A1 is on the minus strand). VCF-style: chr1-102998348-G-C. GRCh37 (hg19) VCF-style: chr1-103463904-G-C.
Other names: c.2041C>G, p.Pro681Ala (NM_001190709.2); c.2194C>G, p.Pro732Ala (NM_080629.3); c.1810C>G, p.Pro604Ala (NM_080630.4); short protein forms P720A, P732A, P681A, P604A.
Identifiers: ClinVar variation 1406369 (VCV001406369.8), dbSNP rs2101807917, ClinGen allele CA341170272.